The following is an entry in ClinVar:

ClinVar aggregate classification (germline): Likely benign (1 of 4 stars; one submission).

Conditions:
H19-related disorder. Also called: H19-related condition.

Submission:

PreventionGenetics, part of Exact Sciences
Classification: Likely benign for H19-related condition. Last evaluated: 2025-03-28. Review status: criteria provided, single submitter. Criteria: ACMG Guidelines, 2015. Collection method: clinical testing. Allele origin: germline.
Comment: This variant is classified as likely benign based on ACMG/AMP sequence variant interpretation guidelines (Richards et al. 2015 PMID: 25741868, with internal and published modifications).

NR_002196.3(H19):n.1834C>G

Genes: H19 (H19 imprinted maternally expressed transcript; minus strand), HOTS (H19 opposite tumor suppressor; plus strand), MRPL23 (mitochondrial ribosomal protein L23; plus strand). Cytogenetic location: 11p15.5.
Variant type: single nucleotide variant.
Molecular consequence: non-coding transcript variant (on NR_002196.3). On other transcripts: intron variant (1).
Genome position: GRCh38 VCF-style: chr11-1995657-G-C. GRCh37 (hg19) VCF-style: chr11-2016887-G-C.
Other names: c.498-15884G>C (NM_001400176.1).
Identifiers: ClinVar variation 4990329 (VCV004990329.1).
Genomic context (GRCh38, chr11:1,995,657, plus strand): 5'-AGAGGGAGGTGGTGGGGACGGCGTCATCCCGCTGGAGGAGCTCAGCTCTGGGATGATGTG[G>C]TGGCTGGTGGTCAACCGTCCGCCGCAGGGGGTGGCCATGAAGATGGAGTCGCCGGTGCGG-3'